The following is an entry in ClinVar:

ClinVar aggregate classification (germline): Conflicting classifications of pathogenicity. Review status: criteria provided, conflicting classifications (1 of 4 stars). 5 submissions from 3 submitters: Uncertain significance (2); Benign (1); Likely benign (2). Last evaluated 2026-09-17.

Conditions:
Hemolytic anemia. Identifiers: MedGen C0002878, MONDO:0003664, HP:0001878.
SLC4A1-related disorder. Also called: SLC4A1-related disorders; SLC4A1-related condition.
Hereditary spherocytosis type 4. Also called: SLC4A1-Related Spherocytosis. Identifiers: Orphanet 822, MedGen C2675212, MONDO:0012981, OMIM 612653.
Autosomal dominant distal renal tubular acidosis (DRTA1). Also called: RENAL TUBULAR ACIDOSIS, DISTAL, 1; Renal Tubular Acidosis, Type I; RTA, CLASSIC TYPE; RTA, DISTAL TYPE, AUTOSOMAL DOMINANT; RTA, GRADIENT TYPE. Identifiers: Orphanet 93608, MedGen CN280572, MONDO:0008368, OMIM 179800.

Allele frequency attached by ClinVar (database versions not stated): gnomAD 0.00006 and 0.00007; gnomAD exomes 0.00006 and 0.00007; ExAC 0.00007; TOPMed 0.00008; 1000 Genomes Project 30x 0.00016; 1000 Genomes Project 0.00020.
gnomAD v4.1: 105 of 1,610,592 alleles (0.0065%); highest among the groups gnomAD compares: Middle Eastern, 0.05%; 1 homozygote.

Submissions (5):

PreventionGenetics, part of Exact Sciences
Classification: Likely benign for SLC4A1-related condition. Last evaluated: 2026-09-17. Review status: criteria provided, single submitter. Criteria: ACMG Guidelines, 2015. Collection method: clinical testing. Allele origin: germline.
Comment: This variant is classified as likely benign based on ACMG/AMP sequence variant interpretation guidelines (Richards et al. 2015 PMID: 25741868, with internal and published modifications).

Labcorp Genetics (formerly Invitae), Labcorp
Classification: Likely benign. Last evaluated: 2025-10-26. Review status: criteria provided, single submitter. Criteria: Invitae Variant Classification Sherloc (09022015). Collection method: clinical testing. Allele origin: germline.

Illumina Laboratory Services, Illumina
Classification: Benign for Autosomal dominant distal renal tubular acidosis. Last evaluated: 2017-04-28. Review status: criteria provided, single submitter. Criteria: ICSL Variant Classification Criteria 13 December 2019. Collection method: clinical testing. Allele origin: germline.
Comment: This variant was observed as part of a predisposition screen in an ostensibly healthy population. A literature search was performed for the gene, cDNA change, and amino acid change (where applicable). No publications were found based on this search. Allele frequency data from public databases was too high to be consistent with this variant causing disease. Therefore, this variant is classified as benign.

Illumina Laboratory Services, Illumina
Classification: Uncertain significance for Hemolytic anemia. Last evaluated: 2017-04-28. Review status: criteria provided, single submitter. Criteria: ICSL Variant Classification Criteria 13 December 2019. Collection method: clinical testing. Allele origin: germline.

Illumina Laboratory Services, Illumina
Classification: Uncertain significance for Hereditary spherocytosis type 4. Last evaluated: 2017-04-28. Review status: criteria provided, single submitter. Criteria: ICSL Variant Classification Criteria 13 December 2019. Collection method: clinical testing. Allele origin: germline.

NM_000342.4(SLC4A1):c.2625G>A (p.Pro875=)

Gene: SLC4A1 (solute carrier family 4 member 1 (Diego blood group); minus strand). Cytogenetic location: 17q21.31.
Variant type: single nucleotide variant.
Coding change: c.2625G>A on transcript NM_000342.4 (MANE Select); coding-DNA position 2625, G replaced by A.
Protein change: p.Pro875=; no amino-acid change (proline 875 retained).
Molecular consequence: synonymous variant.
Genome position (GRCh38, 1-based): chr17:44,251,189, C>T on the plus strand (G>A on the coding strand, the complement: SLC4A1 is on the minus strand). VCF-style: chr17-44251189-C-T. GRCh37 (hg19) VCF-style: chr17-42328557-C-T.
Identifiers: ClinVar variation 890020 (VCV000890020.12), dbSNP rs202243808, ClinGen allele CA8599986.